The following is an entry in ClinVar:

NM_001114753.3(ENG):c.1427A>G (p.Gln476Arg)

Genes: ENG (endoglin; minus strand), LOC102723566 (uncharacterized LOC102723566; plus strand). Cytogenetic location: 9q34.11.
Variant type: single nucleotide variant.
Coding change: c.1427A>G on transcript NM_001114753.3 (MANE Select); coding-DNA position 1427, A replaced by G.
Protein change: p.Gln476Arg; replaces glutamine 476 with arginine.
Molecular consequence: missense variant.
Genome position (GRCh38, 1-based): chr9:127,818,717, T>C on the plus strand (A>G on the coding strand, the complement: ENG is on the minus strand). VCF-style: chr9-127818717-T-C. GRCh37 (hg19) VCF-style: chr9-130580996-T-C.
Other names: c.1427A>G, p.Gln476Arg (NM_000118.4); c.881A>G, p.Gln294Arg (NM_001278138.2); short protein forms Q294R, Q476R.
Identifiers: ClinVar variation 857338 (VCV000857338.11), dbSNP rs1830394955, ClinGen allele CA374976514.

ClinVar aggregate classification (germline): Uncertain significance (1 of 4 stars; one submission).

Conditions:
Hereditary hemorrhagic telangiectasia (HHT). Also called: ORW DISEASE; Osler Weber Rendu syndrome; OSLER-RENDU-WEBER DISEASE; Osler hemorrhagic telangiectasia syndrome. Identifiers: Orphanet 774, MedGen C0039445, MONDO:0019180. Disease mechanism: loss of function.

Submission:

Labcorp Genetics (formerly Invitae), Labcorp
Classification: Uncertain significance for Hereditary hemorrhagic telangiectasia. Last evaluated: 2019-10-01. Review status: criteria provided, single submitter. Criteria: Invitae Variant Classification Sherloc (09022015). Collection method: clinical testing. Allele origin: germline.
Comment: This sequence change replaces glutamine with arginine at codon 476 of the ENG protein (p.Gln476Arg). The glutamine residue is highly conserved and there is a small physicochemical difference between glutamine and arginine. This variant is not present in population databases (ExAC no frequency). In summary, the available evidence is currently insufficient to determine the role of this variant in disease. Therefore, it has been classified as a Variant of Uncertain Significance. Algorithms developed to predict the effect of sequence changes on RNA splicing suggest that this variant may disrupt the consensus splice site, but this prediction has not been confirmed by published transcriptional studies. Algorithms developed to predict the effect of missense changes on protein structure and function are either unavailable or do not agree on the potential impact of this missense change (SIFT: "Tolerated"; PolyPhen-2: "Probably Damaging"; Align-GVGD: "Class C0"). This variant has been observed in a family affected with clinical features of hereditary hemorrhagic telangiectasia (Invitae).